The following is an entry in ClinVar:

NM_001942.4(DSG1):c.2981C>T (p.Ala994Val)

Genes: DSG1 (desmoglein 1; plus strand), DSG1-AS1 (DSG1 antisense RNA 1; minus strand). Cytogenetic location: 18q12.1.
Variant type: single nucleotide variant.
Coding change: c.2981C>T on transcript NM_001942.4 (MANE Select); coding-DNA position 2981, C replaced by T.
Protein change: p.Ala994Val; replaces alanine 994 with valine.
Molecular consequence: missense variant.
Genome position (GRCh38, 1-based): chr18:31,355,177, C>T. VCF-style: chr18-31355177-C-T. GRCh37 (hg19) VCF-style: chr18-28935140-C-T.
Other names: short protein forms A994V.
Identifiers: ClinVar variation 3649332 (VCV003649332.2).

ClinVar aggregate classification (germline): Uncertain significance (1 of 4 stars; one submission).

Submission:

Labcorp Genetics (formerly Invitae), Labcorp
Classification: Uncertain significance. Last evaluated: 2024-04-09. Review status: criteria provided, single submitter. Criteria: Invitae Variant Classification Sherloc (09022015). Collection method: clinical testing. Allele origin: germline.
Comment: This sequence change replaces alanine, which is neutral and non-polar, with valine, which is neutral and non-polar, at codon 994 of the DSG1 protein (p.Ala994Val). This variant is not present in population databases (gnomAD no frequency). This variant has not been reported in the literature in individuals affected with DSG1-related conditions. Algorithms developed to predict the effect of missense changes on protein structure and function output the following: SIFT: "Not Available"; PolyPhen-2: "Benign"; Align-GVGD: "Not Available". The valine amino acid residue is found in multiple mammalian species, which suggests that this missense change does not adversely affect protein function. In summary, the available evidence is currently insufficient to determine the role of this variant in disease. Therefore, it has been classified as a Variant of Uncertain Significance.